The following is an entry in ClinVar:

NM_005589.4(ALDH6A1):c.*1016G>A

Genes: ALDH6A1 (aldehyde dehydrogenase 6 family member A1; minus strand), BBOF1 (basal body orientation factor 1; plus strand). Cytogenetic location: 14q24.3.
Variant type: single nucleotide variant.
Coding change: c.*1016G>A on transcript NM_005589.4 (MANE Select); 1016 bases downstream of the stop codon, G replaced by A.
Molecular consequence: 3 prime UTR variant. On other transcripts: intron variant (1).
Genome position (GRCh38, 1-based): chr14:74,059,626, C>T on the plus strand (G>A on the coding strand, the complement: ALDH6A1 is on the minus strand). VCF-style: chr14-74059626-C-T. GRCh37 (hg19) VCF-style: chr14-74526329-C-T.
Other names: c.*1016G>A (NM_001278593.2, NM_001278594.2); c.1578+2368C>T (NM_025057.3).
Identifiers: ClinVar variation 888077 (VCV000888077.5), dbSNP rs139735554, ClinGen allele CA15818455.

ClinVar aggregate classification (germline): Benign. Review status: criteria provided, multiple submitters, no conflicts (2 of 4 stars). 2 submissions from 2 submitters: Benign (2). Last evaluated 2018-01-13.

Conditions:
Methylmalonate semialdehyde dehydrogenase deficiency (MMSDHD). Also called: MMSDH DEFICIENCY. Identifiers: Orphanet 289307, MedGen C3279840, MONDO:0013579, OMIM 614105.

Allele frequency attached by ClinVar (database versions not stated): TOPMed 0.01094; 1000 Genomes Project 0.01218; 1000 Genomes Project 30x 0.01374.
gnomAD v4.1: 1,628 of 235,386 alleles (0.69%); highest among the groups gnomAD compares: African/African-American, 3.5%; 33 homozygotes.

Submissions (2):

Illumina Laboratory Services, Illumina
Classification: Benign for Methylmalonate semialdehyde dehydrogenase deficiency. Last evaluated: 2018-01-13. Review status: criteria provided, single submitter. Criteria: ICSL Variant Classification Criteria 13 December 2019. Collection method: clinical testing. Allele origin: germline.
Comment: This variant was observed in the ICSL laboratory as part of a predisposition screen in an ostensibly healthy population. It had not been previously curated by ICSL or reported in the Human Gene Mutation Database (HGMD: prior to June 1st, 2018), and was therefore a candidate for classification through an automated scoring system. Utilizing variant allele frequency, disease prevalence and penetrance estimates, and inheritance mode, an automated score was calculated to assess if this variant is too frequent to cause the disease. Based on the score and internal cut-off values, a variant classified as benign is not then subjected to further curation. The score for this variant resulted in a classification of benign for this disease.

Breakthrough Genomics
Classification: Benign. Review status: criteria provided, single submitter. Criteria: ACMG Guidelines, 2015. Collection method: not provided. Allele origin: germline. Inheritance: Autosomal recessive inheritance. Affected: yes.